The following is an entry in ClinVar:

ClinVar aggregate classification (germline): Pathogenic (1 of 4 stars; one submission).

Submission:

Labcorp Genetics (formerly Invitae), Labcorp
Classification: Pathogenic. Last evaluated: 2023-07-14. Review status: criteria provided, single submitter. Criteria: Invitae Variant Classification Sherloc (09022015). Collection method: clinical testing. Allele origin: germline.
Comment: For these reasons, this variant has been classified as Pathogenic. This sequence change inserts a large fragment of DNA, likely a transposable element, in exon 8 of the TSPAN12 gene (c.641_642insAlu), causing a frameshift at codon 214 (p.Leu214fs). The exact size and sequence of the insertion cannot be determined by the current assay. However, the insertion is expected to result in an absent or disrupted protein product. This variant is not present in population databases (gnomAD no frequency). This variant has not been reported in the literature in individuals affected with TSPAN12-related conditions. Algorithms developed to predict the effect of sequence changes on RNA splicing suggest that this variant may disrupt the consensus splice site. This variant disrupts a region of the TSPAN12 protein in which other variant(s) (p.Ala237Pro) have been determined to be pathogenic (PMID: 20159111). This suggests that this is a clinically significant region of the protein, and that variants that disrupt it are likely to be disease-causing. Retrotransposon insertions including LINE1 (L1), Alu, and SVA (SINE-VNTR-Alu) have been reported to disrupt protein function (PMID: 19763152, 20307669, 22406018). However the effect of this particular variant is unknown.

Literature cited by the submitters: PubMed 20159111; PubMed 19763152; PubMed 20307669; PubMed 22406018.

NM_012338.4(TSPAN12):c.641_642insTTTTTTTTTTNNNNNNNNNNATTACAGGCGTGAGCCACCGCGCCCGGCCAATGTATTCCTTTTT (p.Leu214fs)

Gene: TSPAN12 (tetraspanin 12; minus strand). Cytogenetic location: 7q31.31.
Variant type: Microsatellite.
Coding change: c.641_642insTTTTTTTTTTNNNNNNNNNNATTACAGGCGTGAGCCACCGCGCCCGGCCAATGTATTCCTTTTT on transcript NM_012338.4 (MANE Select); coding-DNA positions 641 to 642, TTTTTTTTTTNNNNNNNNNNATTACAGGCGTGAGCCACCGCGCCCGGCCAATGTATTCCTTTTT inserted.
Protein change: p.Leu214fs; shifts the reading frame from leucine 214.
Molecular consequence: frameshift variant.
Genome position: GRCh38: chr7:120,788,869-120,788,883. GRCh37 (hg19): chr7:120,428,923-120,428,937.
Other names: short protein forms L214fs.
Identifiers: ClinVar variation 1068154 (VCV001068154.8).